The following is an entry in ClinVar:

ClinVar aggregate classification (germline): Uncertain significance (1 of 4 stars; one submission).

Allele frequency attached by ClinVar (database versions not stated): ESP Exome Variant Server 0.00008; ExAC 0.00009.
gnomAD v4.1: 170 of 1,613,964 alleles (0.011%); highest among the groups gnomAD compares: Non-Finnish European, 0.014%; no homozygotes.

Submission:

Labcorp Genetics (formerly Invitae), Labcorp
Classification: Uncertain significance. Last evaluated: 2021-09-04. Review status: criteria provided, single submitter. Criteria: Invitae Variant Classification Sherloc (09022015). Collection method: clinical testing. Allele origin: germline.
Comment: This variant is present in population databases (rs373657129, ExAC 0.02%). This variant has not been reported in the literature in individuals affected with IARS2-related conditions. Algorithms developed to predict the effect of missense changes on protein structure and function (SIFT, PolyPhen-2, Align-GVGD) all suggest that this variant is likely to be tolerated. In summary, the available evidence is currently insufficient to determine the role of this variant in disease. Therefore, it has been classified as a Variant of Uncertain Significance. This sequence change replaces serine with glycine at codon 365 of the IARS2 protein (p.Ser365Gly). The serine residue is weakly conserved and there is a small physicochemical difference between serine and glycine.

NM_018060.4(IARS2):c.1093A>G (p.Ser365Gly)

Gene: IARS2 (isoleucyl-tRNA synthetase 2, mitochondrial; plus strand). Cytogenetic location: 1q41.
Variant type: single nucleotide variant.
Coding change: c.1093A>G on transcript NM_018060.4 (MANE Select); coding-DNA position 1093, A replaced by G.
Protein change: p.Ser365Gly; replaces serine 365 with glycine.
Molecular consequence: missense variant.
Genome position (GRCh38, 1-based): chr1:220,105,917, A>G. VCF-style: chr1-220105917-A-G. GRCh37 (hg19) VCF-style: chr1-220279259-A-G.
Other names: short protein forms S365G.
Identifiers: ClinVar variation 1352461 (VCV001352461.5), dbSNP rs373657129, ClinGen allele CA1401314.